The following is an entry in ClinVar:

ClinVar aggregate classification (germline): Uncertain significance (1 of 4 stars; one submission).

Conditions:
Glycine encephalopathy. Also called: Nonketotic hyperglycinemia; Non-ketotic hyperglycinemia. Identifiers: Orphanet 407, MedGen C0751748, MONDO:0011612, HP:0008288.

Allele frequency attached by ClinVar (database versions not stated): gnomAD exomes below 0.00001; TOPMed below 0.00001.
gnomAD v4.1: 2 of 1,613,254 alleles (0.00012%); highest among the groups gnomAD compares: Non-Finnish European, 0.00017%; no homozygotes.

Submission:

Labcorp Genetics (formerly Invitae), Labcorp
Classification: Uncertain significance for Glycine encephalopathy. Last evaluated: 2024-02-26. Review status: criteria provided, single submitter. Criteria: Invitae Variant Classification Sherloc (09022015). Collection method: clinical testing. Allele origin: germline.
Comment: This sequence change replaces histidine, which is basic and polar, with arginine, which is basic and polar, at codon 406 of the GLDC protein (p.His406Arg). This variant is not present in population databases (gnomAD no frequency). This variant has not been reported in the literature in individuals affected with GLDC-related conditions. ClinVar contains an entry for this variant (Variation ID: 1403944). Advanced modeling of protein sequence and biophysical properties (such as structural, functional, and spatial information, amino acid conservation, physicochemical variation, residue mobility, and thermodynamic stability) performed at Invitae indicates that this missense variant is not expected to disrupt GLDC protein function with a negative predictive value of 80%. In summary, the available evidence is currently insufficient to determine the role of this variant in disease. Therefore, it has been classified as a Variant of Uncertain Significance.

NM_000170.3(GLDC):c.1217A>G (p.His406Arg)

Gene: GLDC (glycine decarboxylase; minus strand). Cytogenetic location: 9p24.1.
Variant type: single nucleotide variant.
Coding change: c.1217A>G on transcript NM_000170.3 (MANE Select); coding-DNA position 1217, A replaced by G.
Protein change: p.His406Arg; replaces histidine 406 with arginine.
Molecular consequence: missense variant.
Genome position (GRCh38, 1-based): chr9:6,595,058, T>C on the plus strand (A>G on the coding strand, the complement: GLDC is on the minus strand). VCF-style: chr9-6595058-T-C. GRCh37 (hg19) VCF-style: chr9-6595058-T-C.
Other names: short protein forms H406R.
Identifiers: ClinVar variation 1403944 (VCV001403944.5), dbSNP rs1818464686, ClinGen allele CA372894288.